The following is an entry in ClinVar:

NM_001364905.1(LRBA):c.1602+2T>C

Gene: LRBA (LPS responsive beige-like anchor protein; minus strand). Cytogenetic location: 4q31.3.
Variant type: single nucleotide variant.
Coding change: c.1602+2T>C on transcript NM_001364905.1 (MANE Select); the canonical splice donor site of the intron after coding-DNA position 1602, T replaced by C.
Molecular consequence: splice donor variant.
Genome position (GRCh38, 1-based): chr4:150,906,295, A>G on the plus strand (T>C on the coding strand, the complement: LRBA is on the minus strand). VCF-style: chr4-150906295-A-G. GRCh37 (hg19) VCF-style: chr4-151827447-A-G.
Other names: c.1602+2T>C (NM_001367550.1, NM_006726.5, NM_001199282.3 and 2 more transcripts).
Identifiers: ClinVar variation 3663301 (VCV003663301.2).

ClinVar aggregate classification (germline): Likely pathogenic (1 of 4 stars; one submission).

Conditions:
Combined immunodeficiency due to LRBA deficiency. Also called: Common variable immunodeficiency 8, with autoimmunity. Identifiers: Orphanet 445018, MedGen C3553512, MONDO:0013863, OMIM 614700.

Submission:

Labcorp Genetics (formerly Invitae), Labcorp
Classification: Likely pathogenic for Combined immunodeficiency due to LRBA deficiency. Last evaluated: 2024-08-23. Review status: criteria provided, single submitter. Criteria: Invitae Variant Classification Sherloc (09022015). Collection method: clinical testing. Allele origin: germline.
Comment: This sequence change affects a donor splice site in intron 12 of the LRBA gene. It is expected to disrupt RNA splicing. Variants that disrupt the donor or acceptor splice site typically lead to a loss of protein function (PMID: 16199547), and loss-of-function variants in LRBA are known to be pathogenic (PMID: 26206937, 26768763). This variant is not present in population databases (gnomAD no frequency). This variant has not been reported in the literature in individuals affected with LRBA-related conditions. Algorithms developed to predict the effect of sequence changes on RNA splicing suggest that this variant may disrupt the consensus splice site. In summary, the currently available evidence indicates that the variant is pathogenic, but additional data are needed to prove that conclusively. Therefore, this variant has been classified as Likely Pathogenic.

Literature cited by the submitters: PubMed 16199547; PubMed 26206937; PubMed 26768763.